The following is an entry in ClinVar:

NM_001271.4(CHD2):c.1535G>C (p.Gly512Ala)

Gene: CHD2 (chromodomain helicase DNA binding protein 2; plus strand). Cytogenetic location: 15q26.1.
Variant type: single nucleotide variant.
Coding change: c.1535G>C on transcript NM_001271.4 (MANE Select); coding-DNA position 1535, G replaced by C.
Protein change: p.Gly512Ala; replaces glycine 512 with alanine.
Molecular consequence: missense variant.
Genome position (GRCh38, 1-based): chr15:92,953,389, G>C. VCF-style: chr15-92953389-G-C. GRCh37 (hg19) VCF-style: chr15-93496619-G-C.
Other names: short protein forms G512A.
Identifiers: ClinVar variation 1018505 (VCV001018505.9), dbSNP rs2053579153, ClinGen allele CA393904825.
Genomic context (GRCh38, chr15:92,953,389, plus strand): 5'-TGTTTTTATTTATTTTTTCTTTCTGCAGAAATAATAGTGTAATCCTTGCTGATGAAATGG[G>C]CCTAGGAAAGACCATCCAGACCATATCATTCCTCTCCTACCTGTTCCACCAACACCAGCT-3'
Protein context (NP_001262.3, residues 502-522): NNSVILADEM[Gly512Ala]LGKTIQTISF

ClinVar aggregate classification (germline): Uncertain significance (1 of 4 stars; one submission).

Conditions:
Developmental and epileptic encephalopathy 94 (DEE94). Also called: CHD2-Related Neurodevelopmental Disorders; Epileptic encephalopathy, childhood-onset. Identifiers: Orphanet 1942, Orphanet 2382, MedGen C3809278, MONDO:0014150, OMIM 615369.

Submission:

Labcorp Genetics (formerly Invitae), Labcorp
Classification: Uncertain significance for Developmental and epileptic encephalopathy 94. Last evaluated: 2020-04-23. Review status: criteria provided, single submitter. Criteria: Invitae Variant Classification Sherloc (09022015). Collection method: clinical testing. Allele origin: germline.
Comment: Algorithms developed to predict the effect of missense changes on protein structure and function (SIFT, PolyPhen-2, Align-GVGD) all suggest that this variant is likely to be disruptive, but these predictions have not been confirmed by published functional studies and their clinical significance is uncertain. This sequence change replaces glycine with alanine at codon 512 of the CHD2 protein (p.Gly512Ala). The glycine residue is highly conserved and there is a small physicochemical difference between glycine and alanine. This variant is not present in population databases (ExAC no frequency). This variant has not been reported in the literature in individuals with CHD2-related conditions. In summary, the available evidence is currently insufficient to determine the role of this variant in disease. Therefore, it has been classified as a Variant of Uncertain Significance.